The following is an entry in ClinVar:

ClinVar aggregate classification (germline): Uncertain significance (1 of 4 stars; one submission).

Conditions:
Cardiovascular phenotype. Identifiers: MedGen CN230736.

Allele frequency attached by ClinVar (database versions not stated): TOPMed below 0.00001; gnomAD 0.00001.

Submission:

Ambry Genetics
Classification: Uncertain significance for Cardiovascular phenotype. Last evaluated: 2022-06-27. Review status: criteria provided, single submitter. Criteria: Ambry Variant Classification Scheme 2023. Collection method: clinical testing. Allele origin: germline.
Comment: The p.N172T variant (also known as c.515A>C), located in coding exon 5 of the SPRED1 gene, results from an A to C substitution at nucleotide position 515. The asparagine at codon 172 is replaced by threonine, an amino acid with similar properties. This amino acid position is conserved. In addition, this alteration is predicted to be tolerated by in silico analysis. Since supporting evidence is limited at this time, the clinical significance of this alteration remains unclear.

NM_152594.3(SPRED1):c.515A>C (p.Asn172Thr)

Gene: SPRED1 (sprouty related EVH1 domain containing 1; plus strand). Cytogenetic location: 15q14.
Variant type: single nucleotide variant.
Coding change: c.515A>C on transcript NM_152594.3 (MANE Select); coding-DNA position 515, A replaced by C.
Protein change: p.Asn172Thr; replaces asparagine 172 with threonine.
Molecular consequence: missense variant.
Genome position (GRCh38, 1-based): chr15:38,339,828, A>C. VCF-style: chr15-38339828-A-C. GRCh37 (hg19) VCF-style: chr15-38632029-A-C.
Other names: short protein forms N172T.
Identifiers: ClinVar variation 1745704 (VCV001745704.2), dbSNP rs1462787485, ClinGen allele CA391932603.